The following is an entry in ClinVar:

ClinVar aggregate classification (germline): Uncertain significance (1 of 4 stars; one submission).

Allele frequency attached by ClinVar (database versions not stated): gnomAD exomes below 0.00001; TOPMed below 0.00001; gnomAD 0.00001.
gnomAD v4.1: 4 of 1,613,942 alleles (0.00025%); highest among the groups gnomAD compares: Non-Finnish European, 0.00034%; no homozygotes.

Submission:

Ambry Genetics
Classification: Uncertain significance. Last evaluated: 2024-01-05. Review status: criteria provided, single submitter. Criteria: Ambry Variant Classification Scheme 2023. Collection method: clinical testing. Allele origin: germline.
Comment: The p.E241G variant (also known as c.722A>G), located in coding exon 2 of the TERF2IP gene, results from an A to G substitution at nucleotide position 722. The glutamic acid at codon 241 is replaced by glycine, an amino acid with similar properties. This amino acid position is conserved. In addition, this alteration is predicted to be tolerated by in silico analysis. Since supporting evidence is limited at this time, the clinical significance of this alteration remains unclear.

NM_018975.4(TERF2IP):c.722A>G (p.Glu241Gly)

Gene: TERF2IP (TERF2 interacting protein; plus strand). Cytogenetic location: 16q23.1.
Variant type: single nucleotide variant.
Coding change: c.722A>G on transcript NM_018975.4 (MANE Select); coding-DNA position 722, A replaced by G.
Protein change: p.Glu241Gly; replaces glutamic acid 241 with glycine.
Molecular consequence: missense variant. On other transcripts: non-coding transcript variant (1).
Genome position (GRCh38, 1-based): chr16:75,654,324, A>G. VCF-style: chr16-75654324-A-G. GRCh37 (hg19) VCF-style: chr16-75688222-A-G.
Other names: short protein forms E241G.
Identifiers: ClinVar variation 1757796 (VCV001757796.2), dbSNP rs1315343762, ClinGen allele CA396819084.